The following is an entry in ClinVar:

ClinVar aggregate classification (germline): Uncertain significance (1 of 4 stars; one submission).

Conditions:
Marfan syndrome (MFS). Also called: MARFAN SYNDROME, TYPE I; Marfan syndrome type 1; Marfan's syndrome; Marfan syndrome, classic; FBN1-Related Marfan Syndrome. Identifiers: Orphanet 284963, Orphanet 558, MedGen C0024796, MONDO:0007947, OMIM 154700.

Submission:

All of Us Research Program, National Institutes of Health
Classification: Uncertain significance for Marfan syndrome. Last evaluated: 2023-11-20. Review status: criteria provided, single submitter. Criteria: ACMG Guidelines, 2015. Collection method: clinical testing. Allele origin: germline. Inheritance: Autosomal dominant inheritance. Observed: 1 variant allele, 1 heterozygote.
Comment: This variant causes a deletion of one nucleotide in intron 43 of the FBN1 gene. To our knowledge, functional studies have not been reported for this variant. This variant has not been reported in individuals affected with FBN1-related disorders in the literature. This variant has not been identified in the general population by the Genome Aggregation Database (gnomAD). The available evidence is insufficient to determine the role of this variant in disease conclusively. Therefore, this variant is classified as a Variant of Uncertain Significance.

This study involves interpretation of variants in research participants for the purpose of population health screening. Participant phenotype was not available at the time of variant classification. Additional details can be found in publication PMID: 35346344, PMCID: PMC8962531

NM_000138.5(FBN1):c.5297-8del

Gene: FBN1 (fibrillin 1; minus strand). Cytogenetic location: 15q21.1.
Variant type: Deletion.
Coding change: c.5297-8del on transcript NM_000138.5 (MANE Select); 8 bases into the intron before coding-DNA position 5297, one base deleted (G; older notation c.5297-8delG).
Molecular consequence: intron variant.
Genome position (GRCh38, 1-based): chr15:48,456,770, C deleted on the plus strand (G on the coding strand, the reverse complement: FBN1 is on the minus strand). VCF-style (leftmost placement, unchanged base first): chr15-48456769-AC-A. GRCh37 (hg19) VCF-style: chr15-48748966-AC-A.
Other names: c.5297-8del (NM_001406716.1).
Identifiers: ClinVar variation 3074579 (VCV003074579.1), dbSNP rs2505479257, ClinGen allele CA2825002266.
Genomic context (GRCh38, chr15:48,456,769, plus strand): 5'-TGATACACACTCCATTTTCACAGACCCCTGGGATCTCCCGGCACTCATCAATATCTAGAG[AC>A]AGAGTAGTCATTCATGAGTGACAGGACAGCACATGATCCCTGTGCAGGGTAAGACAAGAT-3'